The following is an entry in ClinVar:

NM_001244008.2(KIF1A):c.3272C>A (p.Ala1091Asp)

Gene: KIF1A (kinesin family member 1A; minus strand). Cytogenetic location: 2q37.3.
Variant type: single nucleotide variant.
Coding change: c.3272C>A on transcript NM_001244008.2 (MANE Select); coding-DNA position 3272, C replaced by A.
Protein change: p.Ala1091Asp; replaces alanine 1091 with aspartic acid.
Molecular consequence: missense variant.
Genome position (GRCh38, 1-based): chr2:240,745,840, G>T on the plus strand (C>A on the coding strand, the complement: KIF1A is on the minus strand). VCF-style: chr2-240745840-G-T. GRCh37 (hg19) VCF-style: chr2-241685257-G-T.
Other names: c.2969C>A (NM_004321.6); c.2996C>A, p.Ala999Asp (NM_001320705.2, NM_001330289.2, NM_001379638.1); c.3071C>A, p.Ala1024Asp (NM_001330290.2, NM_001379634.1, NM_001379635.1 and 1 more transcripts); c.3347C>A, p.Ala1116Asp (NM_001379631.1); c.3221C>A, p.Ala1074Asp (NM_001379632.1); c.3245C>A, p.Ala1082Asp (NM_001379633.1, NM_001379642.1, NM_001379645.1); c.2969C>A, p.Ala990Asp (NM_001379636.1, NM_001379639.1, NM_001379641.1 and 6 more transcripts); c.3044C>A, p.Ala1015Asp (NM_001379637.1, NM_001379648.1); and 1 more; short protein forms A1015D, A1024D, A1074D, A1082D, A1091D, A1116D, A989D, A990D.
Identifiers: ClinVar variation 2433131 (VCV002433131.4), dbSNP rs2537290517, ClinGen allele CA351318145.

ClinVar aggregate classification (germline): Uncertain significance. Review status: criteria provided, multiple submitters, no conflicts (2 of 4 stars). 2 submissions from 2 submitters: Uncertain significance (2). Last evaluated 2025-08-16.

Submissions (2):

GeneDx
Classification: Uncertain significance. Last evaluated: 2025-08-16. Review status: criteria provided, single submitter. Criteria: GeneDx Variant Classification Process June 2021. Collection method: clinical testing. Allele origin: germline. Affected: yes.
Comment: Not observed at significant frequency in large population cohorts (gnomAD); In silico analysis suggests that this missense variant does not alter protein structure/function; Has not been previously published as pathogenic or benign to our knowledge

Revvity Omics, Revvity
Classification: Uncertain significance. Last evaluated: 2021-12-28. Review status: criteria provided, single submitter. Criteria: ACMG Guidelines, 2015. Collection method: clinical testing. Allele origin: germline.